The following is an entry in ClinVar:

ClinVar aggregate classification (germline): Pathogenic. Review status: criteria provided, multiple submitters, no conflicts (2 of 4 stars). 6 submissions from 6 submitters: Pathogenic (5). 1 of the submissions does not count toward it. Last evaluated 2024-03-15.

Conditions:
Hereditary cancer-predisposing syndrome. Also called: Hereditary Cancer Syndrome; Hereditary neoplastic syndrome; Neoplastic Syndromes, Hereditary; Tumor predisposition. Identifiers: Orphanet 140162, MedGen C0027672, MeSH D009386, MONDO:0015356.
Hereditary breast ovarian cancer syndrome. Also called: BRCA1- and BRCA2-Associated Hereditary Breast and Ovarian Cancer; Hereditary breast and ovarian cancer syndrome; Hereditary breast and ovarian cancer syndrome (HBOC); Breast and ovarian cancer; Hereditary breast and/or ovarian cancer syndrome; Hereditary breast and ovarian cancer. Identifiers: Orphanet 145, MedGen C0677776, MeSH D061325, MONDO:0003582. Disease mechanism: loss of function.
Breast-ovarian cancer, familial, susceptibility to, 1 (BROVCA1). Also called: BRCA1 Hereditary Breast and Ovarian Cancer; OVARIAN CANCER, SUSCEPTIBILITY TO. Identifiers: Orphanet 145, MedGen C2676676, MONDO:0011450, OMIM 604370. Disease mechanism: loss of function.
Fanconi anemia, complementation group S (FANCS). Identifiers: MedGen C4554406, MONDO:0054748, OMIM 617883.

Submissions (7):

Labcorp Genetics (formerly Invitae), Labcorp
Classification: Pathogenic for Hereditary breast ovarian cancer syndrome. Last evaluated: 2024-03-15. Review status: criteria provided, single submitter. Criteria: Invitae Variant Classification Sherloc (09022015). Collection method: clinical testing. Allele origin: germline.
Comment: This sequence change affects a donor splice site in intron 18 of the BRCA1 gene. It is expected to disrupt RNA splicing. Variants that disrupt the donor or acceptor splice site typically lead to a loss of protein function (PMID: 16199547), and loss-of-function variants in BRCA1 are known to be pathogenic (PMID: 20104584). This variant is not present in population databases (gnomAD no frequency). Disruption of this splice site has been observed in individual(s) with breast and/or ovarian cancer (PMID: 22970155, 30350268, 30702160, 31825140, 34645131). ClinVar contains an entry for this variant (Variation ID: 55448). Algorithms developed to predict the effect of variants on protein structure and function are not available or were not evaluated for this variant. Experimental studies have shown that disruption of this splice site affects BRCA1 function (PMID: 30209399). Algorithms developed to predict the effect of sequence changes on RNA splicing suggest that this variant may disrupt the consensus splice site. For these reasons, this variant has been classified as Pathogenic.

GeneDx
Classification: Pathogenic. Last evaluated: 2021-03-11. Review status: criteria provided, single submitter. Criteria: GeneDx Variant Classification Process June 2021. Collection method: clinical testing. Allele origin: germline. Affected: yes.
Comment: Canonical splice site variant predicted to result in a null allele in a gene for which loss-of-function is a known mechanism of disease; Published functional studies demonstrate a damaging effect: variant classified as non-functional based on a saturation genome editing (SGE) assay measuring cell survival (Findlay 2018); Observed in individuals with a personal or family history consistent with pathogenic variants in this gene (Kwong 2012, Ryu 2019); Not observed in large population cohorts (Lek 2016); Truncating variants in this gene are considered pathogenic by a well-established clinical consortium and/or database; Also known as 5312+1G>C; This variant is associated with the following publications: (PMID: 22970155, 23239986, 30209399, 30702160, 30350268, 29446198, 31825140)

Department of Pathology and Laboratory Medicine, Sinai Health System
Classification: Pathogenic for Fanconi anemia, complementation group S. Last evaluated: 2020-05-28. Review status: criteria provided, single submitter. Criteria: ACMG Guidelines, 2015. Collection method: clinical testing. Allele origin: germline. Affected: yes.

Consortium of Investigators of Modifiers of BRCA1/2 (CIMBA), c/o University of Cambridge
Classification: Pathogenic for Breast-ovarian cancer, familial, susceptibility to, 1. Last evaluated: 2015-10-02. Review status: criteria provided, single submitter. Criteria: CIMBA Mutation Classification guidelines May 2016. Collection method: clinical testing. Allele origin: germline.

Ambry Genetics
Classification: Pathogenic for Hereditary cancer-predisposing syndrome. Last evaluated: 2013-01-08. Review status: criteria provided, single submitter. Criteria: Ambry Autosomal Dominant and X-Linked criteria (10/2015). Collection method: clinical testing. Allele origin: germline. Observed: 1 variant allele.
Comment: In addition to the clinical data presented in the literature, alterations that disrupt the canonical splice site are expected to cause aberrant splicing, resulting in an abnormal protein or a transcript that is subject to nonsense-mediated mRNA decay. As such, this alteration is classified as a disease-causing mutation.

Breast Cancer Information Core (BIC) (BRCA1)
Classification: Pathogenic for Breast-ovarian cancer, familial 1. Last evaluated: 2013-02-20. Review status: no assertion criteria provided. Collection method: clinical testing. Allele origin: somatic. Affected: yes. Observed: 1 variant allele. Not counted in ClinVar's aggregate classification.

Brotman Baty Institute, University of Washington
No classification provided (evidence only). Condition: Breast-ovarian cancer, familial 1. Review status: no classification provided. Collection method: in vitro. Allele origin: not applicable. Functional consequence: functionally_abnormal. Not counted in ClinVar's aggregate classification.
ClinVar note: "not provided" was previously submitted as the classification for the variant. However, the classification appeared to be based only on an observation of functional data so it was converted to no classification on 2025-07-30.

Literature cited by the submitters: PubMed 16199547 (cited by Labcorp Genetics (formerly Invitae), Labcorp); PubMed 20104584 (cited by Labcorp Genetics (formerly Invitae), Labcorp); PubMed 22970155 (cited by Labcorp Genetics (formerly Invitae), Labcorp and Department of Pathology and Laboratory Medicine, Sinai Health System); PubMed 30350268 (cited by Labcorp Genetics (formerly Invitae), Labcorp); PubMed 30702160 (cited by Labcorp Genetics (formerly Invitae), Labcorp); PubMed 31825140 (cited by Labcorp Genetics (formerly Invitae), Labcorp); PubMed 34645131 (cited by Labcorp Genetics (formerly Invitae), Labcorp); PubMed 30209399 (cited by Labcorp Genetics (formerly Invitae), Labcorp).

NM_007294.4(BRCA1):c.5193+1G>C

Gene: BRCA1 (BRCA1 DNA repair associated; minus strand). Cytogenetic location: 17q21.31.
Variant type: single nucleotide variant.
Coding change: c.5193+1G>C on transcript NM_007294.4 (MANE Select); the canonical splice donor site of the intron after coding-DNA position 5193, G replaced by C.
Molecular consequence: splice donor variant.
Genome position (GRCh38, 1-based): chr17:43,063,332, C>G on the plus strand (G>C on the coding strand, the complement: BRCA1 is on the minus strand). VCF-style: chr17-43063332-C-G. GRCh37 (hg19) VCF-style: chr17-41215349-C-G.
Other names: IVS19+1G>C; c.957+1G>C (NM_001408514.1); c.1671+1G>C (NM_001408485.1, NM_001408483.1, NM_001408491.1 and 5 more transcripts); c.4980+1G>C (NM_001407908.1, NM_001407909.1, NM_001407906.1 and 12 more transcripts); c.4983+1G>C (NM_001407882.1, NM_001407887.1, NM_001407885.1 and 5 more transcripts); c.1755+1G>C (NM_001408447.1, NM_001408446.1, NM_001408448.1 and 2 more transcripts); c.1758+1G>C (NM_001408433.1, NM_001408441.1, NM_001408437.1 and 10 more transcripts); c.5061+1G>C (NM_001407690.1, NM_001407691.1); and 73 more.
Identifiers: ClinVar variation 55448 (VCV000055448.15), dbSNP rs80358004, ClinGen allele CA003337.